The following is an entry in ClinVar:

ClinVar aggregate classification (germline): Likely benign (1 of 4 stars; one submission).

Conditions:
MELAS syndrome (MELAS). Also called: Juvenile myopathy, encephalopathy, lactic acidosis, stroke. Identifiers: Orphanet 550, MedGen C0162671, MONDO:0010789, OMIM 540000.

Submission:

Wong Mito Lab, Molecular and Human Genetics, Baylor College of Medicine
Classification: Likely benign for MELAS syndrome. Last evaluated: 2019-07-12. Review status: criteria provided, single submitter. Criteria: Modified ACMG Guidelines (Unpublished). Collection method: clinical testing. Allele origin: germline.
Comment: The NC_012920.1:m.15911A>G variant in MT-TT gene is interpreted to be a Likely Benign variant based on the modified ACMG guidelines (unpublished). This variant meets the following evidence codes reported in the guidelines: BP4, BP6

Literature cited by the submitters: PubMed 31965079.

NC_012920.1(MT-TT):m.15911A>G

Gene: MT-TT (mitochondrially encoded tRNA threonine; plus strand).
Variant type: single nucleotide variant.
Genome position: chrM-15911-A-G.
Identifiers: ClinVar variation 690230 (VCV000690230.1), dbSNP rs1603225583, ClinGen allele CA913175179.